The following is an entry in ClinVar:

ClinVar aggregate classification (germline): Likely benign. Review status: criteria provided, multiple submitters, no conflicts (2 of 4 stars). 2 submissions from 2 submitters: Likely benign (2). Last evaluated 2026-08-18.

Conditions:
DTHD1-related disorder. Also called: DTHD1-related condition.

gnomAD v4.1: 1,365 of 1,530,584 alleles (0.089%); highest among the groups gnomAD compares: Non-Finnish European, 0.11%; 2 homozygotes.

Submissions (2):

PreventionGenetics, part of Exact Sciences
Classification: Likely benign for DTHD1-related condition. Last evaluated: 2026-08-18. Review status: criteria provided, single submitter. Criteria: ACMG Guidelines, 2015. Collection method: clinical testing. Allele origin: germline.
Comment: This variant is classified as likely benign based on ACMG/AMP sequence variant interpretation guidelines (Richards et al. 2015 PMID: 25741868, with internal and published modifications).

Blueprint Genetics
Classification: Likely benign. Last evaluated: 2024-10-24. Review status: criteria provided, single submitter. Criteria: ACMG Guidelines, 2015. Collection method: clinical testing. Allele origin: germline.

NM_001170700.3(DTHD1):c.834T>C (p.Thr278=)

Gene: DTHD1 (death domain containing 1; plus strand). Cytogenetic location: 4p14.
Variant type: single nucleotide variant.
Coding change: c.834T>C on transcript NM_001170700.3 (MANE Select); coding-DNA position 834, T replaced by C.
Protein change: p.Thr278=; no amino-acid change (threonine 278 retained).
Molecular consequence: synonymous variant. On other transcripts: non-coding transcript variant (2), intron variant (2).
Genome position (GRCh38, 1-based): chr4:36,284,538, T>C. VCF-style: chr4-36284538-T-C. GRCh37 (hg19) VCF-style: chr4-36286160-T-C.
Other names: c.459T>C (NM_001170700.2); c.17+2509T>C (NM_001136536.5, NM_001378435.1).
Identifiers: ClinVar variation 4966817 (VCV004966817.2).
Genomic context (GRCh38, chr4:36,284,538, plus strand): 5'-AGAAGAGATGACCACATCCTCAATAATATGTGATATCTCCAAGAAATATATAAATAGTAC[T>C]CTTCCCAATGATTCAGAGAATATAAAGCACAAGAATAACATAATGGAAAAGGAGTAAGTA-3'
Protein context (NP_001164171.2, residues 268-288): CDISKKYINS[Thr278=]LPNDSENIKH